The following is an entry in ClinVar:

ClinVar aggregate classification (germline): Likely benign (1 of 4 stars; one submission).

gnomAD v4.1: 24 of 932,514 alleles (0.0026%); highest among the groups gnomAD compares: East Asian, 0.0094%; no homozygotes.

Submission:

CeGaT Center for Human Genetics Tuebingen
Classification: Likely benign. Last evaluated: 2026-02-01. Review status: criteria provided, single submitter. Criteria: CeGaT Center For Human Genetics Tuebingen Variant Classification Criteria Version 2. Collection method: clinical testing. Allele origin: germline. Affected: yes. Observed: 1 variant allele.
Comment: DDX3X: PP2, BS2

NM_001356.5(DDX3X):c.1025+108G>A

Gene: DDX3X (DEAD-box helicase 3 X-linked; plus strand). Cytogenetic location: Xp11.4.
Variant type: single nucleotide variant.
Coding change: c.1025+108G>A on transcript NM_001356.5 (MANE Select); 108 bases into the intron after coding-DNA position 1025, G replaced by A.
Molecular consequence: intron variant.
Genome position (GRCh38, 1-based): chrX:41,344,507, G>A. VCF-style: chrX-41344507-G-A. GRCh37 (hg19) VCF-style: chrX-41203760-G-A.
Other names: c.1025+108G>A (NM_001193416.3); c.977+108G>A (NM_001193417.3); c.467+108G>A (NM_001363819.1).
Identifiers: ClinVar variation 4821984 (VCV004821984.4).